The following is an entry in ClinVar:

NM_002878.4(RAD51D):c.61A>C (p.Arg21=)

Genes: RAD51D (RAD51 paralog D; minus strand), RAD51L3-RFFL (RAD51L3-RFFL readthrough; minus strand). Cytogenetic location: 17q12.
Variant type: single nucleotide variant.
Coding change: c.61A>C on transcript NM_002878.4 (MANE Select); coding-DNA position 61, A replaced by C.
Protein change: p.Arg21=; no amino-acid change (arginine 21 retained).
Molecular consequence: synonymous variant. On other transcripts: non-coding transcript variant (2).
Genome position (GRCh38, 1-based): chr17:35,119,553, T>G on the plus strand (A>C on the coding strand, the complement: RAD51D is on the minus strand). VCF-style: chr17-35119553-T-G. GRCh37 (hg19) VCF-style: chr17-33446572-T-G.
Other names: c.61A>C, p.Arg21= (NM_001142571.2, NM_133629.3).
Identifiers: ClinVar variation 3903491 (VCV003903491.1).

ClinVar aggregate classification (germline): Benign (1 of 4 stars; one submission).

Conditions:
Breast-ovarian cancer, familial, susceptibility to, 4. Identifiers: Orphanet 145, MedGen C3280345, MONDO:0013669, OMIM 614291.

Submission:

Myriad Genetics, Inc.
Classification: Benign for Breast-ovarian cancer, familial, susceptibility to, 4. Last evaluated: 2025-02-20. Review status: criteria provided, single submitter. Criteria: Myriad Autosomal Dominant, Autosomal Recessive and X-Linked Classification Criteria (2023). Collection method: clinical testing. Allele origin: unknown.
Comment: This variant is considered benign. This variant is a silent/synonymous amino acid change and it is not expected to impact splicing.